The following is an entry in ClinVar:

ClinVar aggregate classification (germline): Pathogenic. Review status: criteria provided, multiple submitters, no conflicts (2 of 4 stars). 3 submissions from 3 submitters: Pathogenic (3). Last evaluated 2024-03-18.

Conditions:
Aplastic anemia. Identifiers: Orphanet 182040, Orphanet 88, MedGen C0002874, MONDO:0015909, OMIM 609135, HP:0001915.
Familial hemophagocytic lymphohistiocytosis 2 (FHL2). Also called: PRF1-Related Familial Hemophagocytic Lymphohistiocytosis (PRF1-fHLH). Identifiers: Orphanet 540, MedGen C1863727, MONDO:0011337, OMIM 603553.
Lymphoma, non-Hodgkin, familial. Identifiers: MedGen C4721532, MONDO:0011508, OMIM 605027.
Familial hemophagocytic lymphohistiocytosis (FHL). Also called: Familial erythrophagocytic lymphohistiocytosis; Familial histiocytic reticulosis; Hereditary hemophagocytic lymphohistiocytosis. Identifiers: Orphanet 158038, Orphanet 540, MedGen C0272199, MONDO:0015541.

gnomAD v4.1: 1 of 1,614,216 alleles (0.000062%); highest among the groups gnomAD compares: Non-Finnish European, 0.000085%; no homozygotes.

Submissions (3):

Fulgent Genetics
Classification: Pathogenic for Familial hemophagocytic lymphohistiocytosis 2; Lymphoma, non-Hodgkin, familial; Aplastic anemia. Last evaluated: 2024-03-18. Review status: criteria provided, single submitter. Criteria: ACMG Guidelines, 2015. Collection method: clinical testing. Allele origin: germline.

Women's Health and Genetics/Laboratory Corporation of America, LabCorp
Classification: Pathogenic for Familial hemophagocytic lymphohistiocytosis. Last evaluated: 2024-03-15. Review status: criteria provided, single submitter. Criteria: LabCorp Variant Classification Summary - May 2015. Collection method: clinical testing. Allele origin: germline.
Comment: Variant summary: PRF1 c.916G>T (p.Gly306Cys) results in a non-conservative amino acid change located in the Membrane attack complex component/perforin (MACPF) domain (IPR020864) of the encoded protein sequence. Five of five in-silico tools predict a damaging effect of the variant on protein function. The variant was absent in 251458 control chromosomes (gnomAD). c.916G>T has been reported in the literature in multiple individuals affected with Familial Hemophagocytic Lymphohistiocytosis (e.g. Grossman_2005, Trizzino_2008, Gadoury-Levesque_2020, Shabrish_2021). These data indicate that the variant is very likely to be associated with disease. These publications also reported experimental evidence characterizing patient derived cells, and demonstrated barely detectable perforin expression and and minimal NK-cell killing activity (e.g. Grossman_2005, Shabrish_2021). The following publications have been ascertained in the context of this evaluation (PMID: 15840696, 17873118, 32542393, 33746956). ClinVar contains an entry for this variant (Variation ID: 2678060). Based on the evidence outlined above, the variant was classified as pathogenic.

Baylor Genetics
Classification: Pathogenic for Aplastic anemia. Last evaluated: 2023-12-17. Review status: criteria provided, single submitter. Criteria: ACMG Guidelines, 2015. Collection method: clinical testing. Allele origin: unknown.

Literature cited by the submitters: PubMed 15840696 (cited by Women's Health and Genetics/Laboratory Corporation of America, LabCorp); PubMed 32542393 (cited by Women's Health and Genetics/Laboratory Corporation of America, LabCorp); PubMed 33746956 (cited by Women's Health and Genetics/Laboratory Corporation of America, LabCorp); PubMed 17873118 (cited by Women's Health and Genetics/Laboratory Corporation of America, LabCorp).

NM_001083116.3(PRF1):c.916G>T (p.Gly306Cys)

Gene: PRF1 (perforin 1; minus strand). Cytogenetic location: 10q22.1.
Variant type: single nucleotide variant.
Coding change: c.916G>T on transcript NM_001083116.3 (MANE Select); coding-DNA position 916, G replaced by T.
Protein change: p.Gly306Cys; replaces glycine 306 with cysteine.
Molecular consequence: missense variant.
Genome position (GRCh38, 1-based): chr10:70,598,805, C>A on the plus strand (G>T on the coding strand, the complement: PRF1 is on the minus strand). VCF-style: chr10-70598805-C-A. GRCh37 (hg19) VCF-style: chr10-72358561-C-A.
Other names: c.916G>T, p.Gly306Cys (NM_005041.6); short protein forms G306C.
Identifiers: ClinVar variation 2678060 (VCV002678060.5), dbSNP rs763002067, ClinGen allele CA376957893.